The following is an entry in ClinVar:

ClinVar aggregate classification (germline): Likely benign. Review status: criteria provided, multiple submitters, no conflicts (2 of 4 stars). 3 submissions from 3 submitters: Likely benign (3). Last evaluated 2025-04-11.

Conditions:
Developmental and epileptic encephalopathy, 34 (DEE34). Also called: SLC12A5-Related Epilepsy of Infancy with Migrating Focal Seizures; Early infantile epileptic encephalopathy 34. Identifiers: Orphanet 293181, MedGen C4225257, MONDO:0014718, OMIM 616645.

Allele frequency attached by ClinVar (database versions not stated): ExAC 0.00002; gnomAD exomes 0.00003; gnomAD 0.00006; TOPMed 0.00009.
gnomAD v4.1: 71 of 1,612,176 alleles (0.0044%); highest among the groups gnomAD compares: African/African-American, 0.0067%; no homozygotes.

Submissions (3):

Labcorp Genetics (formerly Invitae), Labcorp
Classification: Likely benign for Developmental and epileptic encephalopathy, 34. Last evaluated: 2025-04-11. Review status: criteria provided, single submitter. Criteria: Invitae Variant Classification Sherloc (09022015). Collection method: clinical testing. Allele origin: germline.

CeGaT Center for Human Genetics Tuebingen
Classification: Likely benign. Last evaluated: 2025-03-01. Review status: criteria provided, single submitter. Criteria: CeGaT Center For Human Genetics Tuebingen Variant Classification Criteria Version 2. Collection method: clinical testing. Allele origin: germline. Affected: yes. Observed: 1 variant allele.
Comment: SLC12A5: BP4, BP7

Blueprint Genetics
Classification: Likely benign. Last evaluated: 2023-06-07. Review status: criteria provided, single submitter. Criteria: ACMG Guidelines, 2015. Collection method: clinical testing. Allele origin: germline.

NM_020708.5(SLC12A5):c.1936C>A (p.Arg646=)

Gene: SLC12A5 (solute carrier family 12 member 5; plus strand). Cytogenetic location: 20q13.12.
Variant type: single nucleotide variant.
Coding change: c.1936C>A on transcript NM_020708.5 (MANE Select); coding-DNA position 1936, C replaced by A.
Protein change: p.Arg646=; no amino-acid change (arginine 646 retained).
Molecular consequence: synonymous variant.
Genome position (GRCh38, 1-based): chr20:46,048,009, C>A. VCF-style: chr20-46048009-C-A. GRCh37 (hg19) VCF-style: chr20-44676648-C-A.
Other names: c.2005C>A, p.Arg669= (NM_001134771.2).
Identifiers: ClinVar variation 797258 (VCV000797258.18), dbSNP rs771263913, ClinGen allele CA9887485.